The following is an entry in ClinVar:

ClinVar aggregate classification (germline): Pathogenic. Review status: criteria provided, multiple submitters, no conflicts (2 of 4 stars). 3 submissions from 3 submitters: Pathogenic (3). Last evaluated 2025-08-06.

Conditions:
Alport syndrome. Also called: Hemorrhagic familial nephritis; Hemorrhagic hereditary nephritis; Congenital hereditary hematuria. Identifiers: Orphanet 63, MedGen C1567741, MONDO:0018965.

Submissions (3):

Myriad Genetics, Inc.
Classification: Pathogenic for Alport syndrome. Last evaluated: 2025-08-06. Review status: criteria provided, single submitter. Criteria: Myriad Autosomal Dominant, Autosomal Recessive and X-Linked Classification Criteria (2023). Collection method: clinical testing. Allele origin: unknown.
Comment: NM_000091.4(COL4A3):c.1131delC(G378Efs*22) is expected to be pathogenic in the context of Alport syndrome, COL4A3-related. This variant is predicted to lead to an abnormal or absent protein product due to the creation of a premature termination codon in COL4A3, a gene where loss-of-function variants are known to be pathogenic. Please note: this variant was assessed in the context of healthy population screening.

Labcorp Genetics (formerly Invitae), Labcorp
Classification: Pathogenic. Last evaluated: 2021-10-05. Review status: criteria provided, single submitter. Criteria: Invitae Variant Classification Sherloc (09022015). Collection method: clinical testing. Allele origin: germline.
Comment: This sequence change creates a premature translational stop signal (p.Gly378Glufs*22) in the COL4A3 gene. It is expected to result in an absent or disrupted protein product. Loss-of-function variants in COL4A3 are known to be pathogenic (PMID: 8956999, 24854265, 26809805, 27281700). This variant is not present in population databases (ExAC no frequency). For these reasons, this variant has been classified as Pathogenic. This variant has not been reported in the literature in individuals affected with COL4A3-related conditions.

GeneDx
Classification: Pathogenic. Last evaluated: 2020-02-19. Review status: criteria provided, single submitter. Criteria: GeneDx Variant Classification Process June 2021. Collection method: clinical testing. Allele origin: germline. Affected: yes.
Comment: Frameshift variant predicted to result in protein truncation or nonsense mediated decay in a gene for which loss-of-function is a known mechanism of disease; Not observed in large population cohorts (Lek et al., 2016)

Literature cited by the submitters: PubMed 8956999 (cited by Labcorp Genetics (formerly Invitae), Labcorp); PubMed 24854265 (cited by Labcorp Genetics (formerly Invitae), Labcorp); PubMed 26809805 (cited by Labcorp Genetics (formerly Invitae), Labcorp); PubMed 27281700 (cited by Labcorp Genetics (formerly Invitae), Labcorp).

NM_000091.5(COL4A3):c.1131del (p.Gly378fs)

Genes: COL4A3 (collagen type IV alpha 3 chain; plus strand), MFF-DT (MFF divergent transcript; minus strand). Cytogenetic location: 2q36.3.
Variant type: Deletion.
Coding change: c.1131del on transcript NM_000091.5 (MANE Select); coding-DNA position 1131, one base deleted (C; older notation c.1131delC).
Protein change: p.Gly378fs; shifts the reading frame from glycine 378.
Molecular consequence: frameshift variant.
Genome position (GRCh38, 1-based): chr2:227,261,098, C deleted; the last of 6 consecutive C bases (chr2:227,261,093-227,261,098); deleting any one gives the same sequence. VCF-style (leftmost placement, unchanged base first): chr2-227261092-TC-T. GRCh37 (hg19) VCF-style: chr2-228125808-TC-T.
Other names: short protein forms G378fs.
Identifiers: ClinVar variation 1220326 (VCV001220326.10), dbSNP rs2125961866, ClinGen allele CA2499215746.